The following is an entry in ClinVar:

NM_005045.4(RELN):c.3808T>C (p.Cys1270Arg)

Gene: RELN (reelin; minus strand). Cytogenetic location: 7q22.1.
Variant type: single nucleotide variant.
Coding change: c.3808T>C on transcript NM_005045.4 (MANE Select); coding-DNA position 3808, T replaced by C.
Protein change: p.Cys1270Arg; replaces cysteine 1270 with arginine.
Molecular consequence: missense variant.
Genome position (GRCh38, 1-based): chr7:103,593,786, A>G on the plus strand (T>C on the coding strand, the complement: RELN is on the minus strand). VCF-style: chr7-103593786-A-G. GRCh37 (hg19) VCF-style: chr7-103234233-A-G.
Other names: c.3808T>C, p.Cys1270Arg (NM_173054.3); short protein forms C1270R.
Identifiers: ClinVar variation 1501253 (VCV001501253.8), dbSNP rs2117248747, ClinGen allele CA368757331.

ClinVar aggregate classification (germline): Uncertain significance (1 of 4 stars; one submission).

Conditions:
Familial temporal lobe epilepsy 7. Identifiers: Orphanet 101046, MedGen C4225327, MONDO:0014639, OMIM 616436.
Norman-Roberts syndrome (LIS2). Also called: Lissencephaly 2 (Norman-Roberts type). Identifiers: Orphanet 89844, MedGen C0796089, MONDO:0009760, OMIM 257320.

Submission:

Labcorp Genetics (formerly Invitae), Labcorp
Classification: Uncertain significance for Familial temporal lobe epilepsy 7; Norman-Roberts syndrome. Last evaluated: 2021-03-05. Review status: criteria provided, single submitter. Criteria: Invitae Variant Classification Sherloc (09022015). Collection method: clinical testing. Allele origin: germline.
Comment: Algorithms developed to predict the effect of missense changes on protein structure and function are either unavailable or do not agree on the potential impact of this missense change (SIFT: "Tolerated"; PolyPhen-2: "Probably Damaging"; Align-GVGD: "Class C0"). This sequence change replaces cysteine with arginine at codon 1270 of the RELN protein (p.Cys1270Arg). The cysteine residue is moderately conserved and there is a large physicochemical difference between cysteine and arginine. This variant is not present in population databases (ExAC no frequency). This variant has not been reported in the literature in individuals with RELN-related conditions. In summary, the available evidence is currently insufficient to determine the role of this variant in disease. Therefore, it has been classified as a Variant of Uncertain Significance.